The following is an entry in ClinVar:

ClinVar aggregate classification (germline): Pathogenic (1 of 4 stars; one submission).

Conditions:
Duchenne muscular dystrophy (DMD). Also called: MUSCULAR DYSTROPHY, PSEUDOHYPERTROPHIC PROGRESSIVE, DUCHENNE TYPE; Duchenne Muscular Dystrophy (DMD). Identifiers: Orphanet 98896, MedGen C0013264, MONDO:0010679, OMIM 310200.

Submission:

Labcorp Genetics (formerly Invitae), Labcorp
Classification: Pathogenic for Duchenne muscular dystrophy. Last evaluated: 2022-07-17. Review status: criteria provided, single submitter. Criteria: Invitae Variant Classification Sherloc (09022015). Collection method: clinical testing. Allele origin: germline.
Comment: For these reasons, this variant has been classified as Pathogenic. Algorithms developed to predict the effect of sequence changes on RNA splicing suggest that this variant may create or strengthen a splice site. This premature translational stop signal has been observed in individual(s) with DMD-related conditions (PMID: 23756440). This variant is not present in population databases (gnomAD no frequency). This sequence change creates a premature translational stop signal (p.Gln945Argfs*4) in the DMD gene. It is expected to result in an absent or disrupted protein product. Loss-of-function variants in DMD are known to be pathogenic (PMID: 16770791, 25007885).

Literature cited by the submitters: PubMed 23756440; PubMed 16770791; PubMed 25007885.

NM_004006.3(DMD):c.2833del (p.Gln945fs)

Gene: DMD (dystrophin; minus strand). Cytogenetic location: Xp21.1.
Variant type: Deletion.
Coding change: c.2833del on transcript NM_004006.3 (MANE Select); coding-DNA position 2833, one base deleted (C; older notation c.2833delC).
Protein change: p.Gln945fs; shifts the reading frame from glutamine 945.
Molecular consequence: frameshift variant.
Genome position (GRCh38, 1-based): chrX:32,472,280, G deleted on the plus strand (C on the coding strand, the reverse complement: DMD is on the minus strand). VCF-style (leftmost placement, unchanged base first): chrX-32472279-TG-T. GRCh37 (hg19) VCF-style: chrX-32490396-TG-T.
Other names: c.2809del, p.Gln937fs (NM_000109.4); c.2821del, p.Gln941fs (NM_004009.3); c.2464del, p.Gln822fs (NM_004010.3); short protein forms Q941fs, Q937fs, Q945fs, Q822fs.
Identifiers: ClinVar variation 2138511 (VCV002138511.4), dbSNP rs2524678480, ClinGen allele CA2580100774.